The following is an entry in ClinVar:

ClinVar aggregate classification (germline): Uncertain significance. Review status: criteria provided, multiple submitters, no conflicts (2 of 4 stars). 6 submissions from 5 submitters: Uncertain significance (6). Last evaluated 2026-09-16.

Conditions:
Lethal Kniest-like syndrome (DDSH). Also called: Dyssegmental Dysplasia. Identifiers: Orphanet 1865, MedGen C1857100, MONDO:0009140, OMIM 224410.
Schwartz-Jampel syndrome. Also called: Myotonic myopathy dwarfism chondrodystrophy and ocular and facial abnormalities. Identifiers: Orphanet 800, MedGen C0036391, MONDO:0009717.
HSPG2-related disorder. Also called: HSPG2-related condition; HSPG2-related disorders.
Inborn genetic diseases. Identifiers: MedGen C0950123, MeSH D030342.

Allele frequency attached by ClinVar (database versions not stated): ExAC 0.00003; gnomAD exomes 0.00003 and 0.00006; ESP Exome Variant Server 0.00008; TOPMed 0.00010; gnomAD 0.00013 and 0.00014.
gnomAD v4.1: 110 of 1,613,776 alleles (0.0068%); highest among the groups gnomAD compares: Middle Eastern, 0.016%; no homozygotes.

Submissions (6):

PreventionGenetics, part of Exact Sciences
Classification: Uncertain significance for HSPG2-related condition. Last evaluated: 2026-09-16. Review status: criteria provided, single submitter. Criteria: ACMG Guidelines, 2015. Collection method: clinical testing. Allele origin: germline.
Comment: The HSPG2 c.6491C>T variant is predicted to result in the amino acid substitution p.Ala2164Val. To our knowledge, this variant has not been reported in the literature. This variant is reported in 0.0070% of alleles in individuals of European (Non-Finnish) descent in gnomAD. At this time, the clinical significance of this variant is uncertain due to the absence of conclusive functional and genetic evidence.

Labcorp Genetics (formerly Invitae), Labcorp
Classification: Uncertain significance. Last evaluated: 2025-10-13. Review status: criteria provided, single submitter. Criteria: Invitae Variant Classification Sherloc (09022015). Collection method: clinical testing. Allele origin: germline.
Comment: This sequence change replaces alanine, which is neutral and non-polar, with valine, which is neutral and non-polar, at codon 2164 of the HSPG2 protein (p.Ala2164Val). This variant is present in population databases (rs371812575, gnomAD 0.008%). This variant has not been reported in the literature in individuals affected with HSPG2-related conditions. ClinVar contains an entry for this variant (Variation ID: 295811). An algorithm developed to predict the effect of missense changes on protein structure and function (PolyPhen-2) suggests that this variant is likely to be disruptive. In summary, the available evidence is currently insufficient to determine the role of this variant in disease. Therefore, it has been classified as a Variant of Uncertain Significance.

Ambry Genetics
Classification: Uncertain significance for Inborn genetic diseases. Last evaluated: 2023-12-27. Review status: criteria provided, single submitter. Criteria: Ambry Variant Classification Scheme 2023. Collection method: clinical testing. Allele origin: germline.

Revvity Omics, Revvity
Classification: Uncertain significance. Last evaluated: 2019-07-29. Review status: criteria provided, single submitter. Criteria: ACMG Guidelines, 2015. Collection method: clinical testing. Allele origin: germline.

Illumina Laboratory Services, Illumina
Classification: Uncertain significance for Lethal Kniest-like syndrome. Last evaluated: 2018-01-13. Review status: criteria provided, single submitter. Criteria: ICSL Variant Classification Criteria 13 December 2019. Collection method: clinical testing. Allele origin: germline.

Illumina Laboratory Services, Illumina
Classification: Uncertain significance for Schwartz-Jampel syndrome type 1. Last evaluated: 2018-01-13. Review status: criteria provided, single submitter. Criteria: ICSL Variant Classification Criteria 13 December 2019. Collection method: clinical testing. Allele origin: germline.

NM_005529.7(HSPG2):c.6491C>T (p.Ala2164Val)

Genes: HSPG2 (heparan sulfate proteoglycan 2; minus strand), LOC126805655 (CDK7 strongly-dependent group 2 enhancer GRCh37_chr1:22178409-22179608; plus strand). Cytogenetic location: 1p36.12.
Variant type: single nucleotide variant.
Coding change: c.6491C>T on transcript NM_005529.7 (MANE Select); coding-DNA position 6491, C replaced by T.
Protein change: p.Ala2164Val; replaces alanine 2164 with valine.
Molecular consequence: missense variant.
Genome position (GRCh38, 1-based): chr1:21,853,019, G>A on the plus strand (C>T on the coding strand, the complement: HSPG2 is on the minus strand). VCF-style: chr1-21853019-G-A. GRCh37 (hg19) VCF-style: chr1-22179512-G-A.
Other names: c.6494C>T, p.Ala2165Val (NM_001291860.2); c.6491C>T (NM_005529.6); short protein forms A2164V, A2165V.
Identifiers: ClinVar variation 295811 (VCV000295811.13), dbSNP rs371812575, ClinGen allele CA671525.